The following is an entry in ClinVar:

NM_003632.3(CNTNAP1):c.2979A>G (p.Pro993=)

Gene: CNTNAP1 (contactin associated protein 1; plus strand). Cytogenetic location: 17q21.2.
Variant type: single nucleotide variant.
Coding change: c.2979A>G on transcript NM_003632.3 (MANE Select); coding-DNA position 2979, A replaced by G.
Protein change: p.Pro993=; no amino-acid change (proline 993 retained).
Molecular consequence: synonymous variant.
Genome position (GRCh38, 1-based): chr17:42,693,523, A>G. VCF-style: chr17-42693523-A-G. GRCh37 (hg19) VCF-style: chr17-40845541-A-G.
Other names: p.Pro993=.
Identifiers: ClinVar variation 712209 (VCV000712209.12), dbSNP rs61738809, ClinGen allele CA8582203.

ClinVar aggregate classification (germline): Benign. Review status: criteria provided, multiple submitters, no conflicts (2 of 4 stars). 3 submissions from 3 submitters: Benign (3). Last evaluated 2026-01-19.

Allele frequency attached by ClinVar (database versions not stated): gnomAD exomes 0.00043 and 0.00110; ExAC 0.00127; 1000 Genomes Project 0.00399; gnomAD 0.00450 and 0.00484; 1000 Genomes Project 30x 0.00515; TOPMed 0.00519; ESP Exome Variant Server 0.00554.
gnomAD v4.1: 1,333 of 1,613,348 alleles (0.083%); highest among the groups gnomAD compares: African/African-American, 1.6%; 10 homozygotes.

Submissions (3):

Labcorp Genetics (formerly Invitae), Labcorp
Classification: Benign. Last evaluated: 2026-01-19. Review status: criteria provided, single submitter. Criteria: Invitae Variant Classification Sherloc (09022015). Collection method: clinical testing. Allele origin: germline.

Mayo Clinic Laboratories, Mayo Clinic
Classification: Benign. Last evaluated: 2023-02-03. Review status: criteria provided, single submitter. Criteria: ACMG Guidelines, 2015. Collection method: clinical testing. Allele origin: germline. Observed: 4 variant alleles.
Comment: BS1, BS2, BP4, BP7

Breakthrough Genomics
Classification: Benign. Review status: criteria provided, single submitter. Criteria: ACMG Guidelines, 2015. Collection method: not provided. Allele origin: germline. Inheritance: Autosomal recessive inheritance. Affected: yes.